The following is an entry in ClinVar:

ClinVar aggregate classification (germline): Uncertain significance. Review status: criteria provided, multiple submitters, no conflicts (2 of 4 stars). 3 submissions from 3 submitters: Uncertain significance (3). Last evaluated 2024-01-03.

Conditions:
Inborn genetic diseases. Identifiers: MedGen C0950123, MeSH D030342.

Allele frequency attached by ClinVar (database versions not stated): gnomAD exomes 0.00002; gnomAD 0.00003; TOPMed 0.00004; ESP Exome Variant Server 0.00008.
gnomAD v4.1: 29 of 1,613,500 alleles (0.0018%); highest among the groups gnomAD compares: Non-Finnish European, 0.0022%; no homozygotes.

Submissions (3):

Ambry Genetics
Classification: Uncertain significance for Inborn genetic diseases. Last evaluated: 2024-01-03. Review status: criteria provided, single submitter. Criteria: Ambry Variant Classification Scheme 2023. Collection method: clinical testing. Allele origin: germline.

Labcorp Genetics (formerly Invitae), Labcorp
Classification: Uncertain significance. Last evaluated: 2022-11-15. Review status: criteria provided, single submitter. Criteria: Invitae Variant Classification Sherloc (09022015). Collection method: clinical testing. Allele origin: germline.
Comment: In summary, the available evidence is currently insufficient to determine the role of this variant in disease. Therefore, it has been classified as a Variant of Uncertain Significance. Advanced modeling of protein sequence and biophysical properties (such as structural, functional, and spatial information, amino acid conservation, physicochemical variation, residue mobility, and thermodynamic stability) performed at Invitae indicates that this missense variant is not expected to disrupt RGS9 protein function. This variant has not been reported in the literature in individuals affected with RGS9-related conditions. This variant is present in population databases (rs374456012, gnomAD 0.002%). This sequence change replaces arginine, which is basic and polar, with cysteine, which is neutral and slightly polar, at codon 438 of the RGS9 protein (p.Arg438Cys).

Blueprint Genetics
Classification: Uncertain significance. Last evaluated: 2021-12-06. Review status: criteria provided, single submitter. Criteria: ACMG Guidelines, 2015. Collection method: clinical testing. Allele origin: germline.

NM_003835.4(RGS9):c.1312C>T (p.Arg438Cys)

Gene: RGS9 (regulator of G protein signaling 9; plus strand). Cytogenetic location: 17q24.1.
Variant type: single nucleotide variant.
Coding change: c.1312C>T on transcript NM_003835.4 (MANE Select); coding-DNA position 1312, C replaced by T.
Protein change: p.Arg438Cys; replaces arginine 438 with cysteine.
Molecular consequence: missense variant.
Genome position (GRCh38, 1-based): chr17:65,210,510, C>T. VCF-style: chr17-65210510-C-T. GRCh37 (hg19) VCF-style: chr17-63206628-C-T.
Other names: c.1303C>T, p.Arg435Cys (NM_001081955.3, NM_001165933.2); c.1312C>T (NM_003835.3); short protein forms R435C, R438C.
Identifiers: ClinVar variation 2421575 (VCV002421575.6), dbSNP rs374456012, ClinGen allele CA293072282.